The following is an entry in ClinVar:

NM_000116.5(TAFAZZIN):c.699+6T>G

Gene: TAFAZZIN (tafazzin, phospholipid-lysophospholipid transacylase; plus strand). Cytogenetic location: Xq28.
Variant type: single nucleotide variant.
Coding change: c.699+6T>G on transcript NM_000116.5 (MANE Select); 6 bases into the intron after coding-DNA position 699, T replaced by G.
Molecular consequence: intron variant.
Genome position (GRCh38, 1-based): chrX:154,420,270, T>G. VCF-style: chrX-154420270-T-G. GRCh37 (hg19) VCF-style: chrX-153648609-T-G.
Other names: c.711+6T>G (NM_001303465.2); c.663+6T>G (NM_001410698.1); c.657+6T>G (NM_181312.4); c.609+6T>G (NM_181311.4); c.567+6T>G (NM_181313.4).
Identifiers: ClinVar variation 2835026 (VCV002835026.3), dbSNP rs2522992887, ClinGen allele CA2739273907.

ClinVar aggregate classification (germline): Uncertain significance (1 of 4 stars; one submission).

Conditions:
3-Methylglutaconic aciduria type 2 (BTHS). Also called: Barth syndrome; CARDIOSKELETAL MYOPATHY WITH NEUTROPENIA AND ABNORMAL MITOCHONDRIA. Identifiers: Orphanet 111, MedGen C0574083, MONDO:0010543, OMIM 302060.

Submission:

Labcorp Genetics (formerly Invitae), Labcorp
Classification: Uncertain significance for 3-Methylglutaconic aciduria type 2. Last evaluated: 2024-04-05. Review status: criteria provided, single submitter. Criteria: Invitae Variant Classification Sherloc (09022015). Collection method: clinical testing. Allele origin: germline.
Comment: This sequence change falls in intron 9 of the TAZ gene. It does not directly change the encoded amino acid sequence of the TAZ protein. It affects a nucleotide within the consensus splice site. This variant is not present in population databases (gnomAD no frequency). This variant has not been reported in the literature in individuals affected with TAZ-related conditions. Variants that disrupt the consensus splice site are a relatively common cause of aberrant splicing (PMID: 17576681, 9536098). Algorithms developed to predict the effect of sequence changes on RNA splicing suggest that this variant may disrupt the consensus splice site. In summary, the available evidence is currently insufficient to determine the role of this variant in disease. Therefore, it has been classified as a Variant of Uncertain Significance.

Literature cited by the submitters: PubMed 17576681; PubMed 9536098.